The following is an entry in ClinVar:

ClinVar aggregate classification (germline): Uncertain significance (1 of 4 stars; one submission).

Allele frequency attached by ClinVar (database versions not stated): gnomAD 0.00003 and 0.00004; TOPMed 0.00003.

Submission:

Labcorp Genetics (formerly Invitae), Labcorp
Classification: Uncertain significance. Last evaluated: 2024-03-11. Review status: criteria provided, single submitter. Criteria: Invitae Variant Classification Sherloc (09022015). Collection method: clinical testing. Allele origin: germline.
Comment: This sequence change replaces proline, which is neutral and non-polar, with threonine, which is neutral and polar, at codon 35 of the PACS2 protein (p.Pro35Thr). This variant is present in population databases (no rsID available, gnomAD 0.05%). This variant has not been reported in the literature in individuals affected with PACS2-related conditions. ClinVar contains an entry for this variant (Variation ID: 1365709). An algorithm developed to predict the effect of missense changes on protein structure and function (PolyPhen-2) suggests that this variant is likely to be tolerated. In summary, the available evidence is currently insufficient to determine the role of this variant in disease. Therefore, it has been classified as a Variant of Uncertain Significance.

NM_001100913.3(PACS2):c.103C>A (p.Pro35Thr)

Genes: BRF1 (BRF1 general transcription factor IIIB subunit; minus strand), PACS2 (phosphofurin acidic cluster sorting protein 2; plus strand), LOC130056677 (ATAC-STARR-seq lymphoblastoid silent region 6228; plus strand). Cytogenetic location: 14q32.33.
Variant type: single nucleotide variant.
Coding change: c.103C>A on transcript NM_001100913.3 (MANE Select); coding-DNA position 103, C replaced by A.
Protein change: p.Pro35Thr; replaces proline 35 with threonine.
Molecular consequence: missense variant. On other transcripts: intron variant (4).
Genome position (GRCh38, 1-based): chr14:105,315,021, C>A. VCF-style: chr14-105315021-C-A. GRCh37 (hg19) VCF-style: chr14-105781358-C-A.
Other names: c.103C>A, p.Pro35Thr (NM_015197.4); c.-162+301G>T (NM_001440451.1, NM_001242787.2, NM_001242786.2); c.-83+14042C>A (NM_001243127.3); short protein forms P35T.
Identifiers: ClinVar variation 1365709 (VCV001365709.9), dbSNP rs1357804593, ClinGen allele CA391191901.